The following is an entry in ClinVar:

NM_001572.5(IRF7):c.845A>T (p.Gln282Leu)

Gene: IRF7 (interferon regulatory factor 7; minus strand). Cytogenetic location: 11p15.5.
Variant type: single nucleotide variant.
Coding change: c.845A>T on transcript NM_001572.5 (MANE Select); coding-DNA position 845, A replaced by T.
Protein change: p.Gln282Leu; replaces glutamine 282 with leucine.
Molecular consequence: missense variant.
Genome position (GRCh38, 1-based): chr11:613,787, T>A on the plus strand (A>T on the coding strand, the complement: IRF7 is on the minus strand). VCF-style: chr11-613787-T-A. GRCh37 (hg19) VCF-style: chr11-613787-T-A.
Other names: c.758A>T, p.Gln253Leu (NM_004029.4); c.884A>T, p.Gln295Leu (NM_004031.4); short protein forms Q282L, Q253L, Q295L.
Identifiers: ClinVar variation 1373392 (VCV001373392.6), dbSNP rs965400406, ClinGen allele CA216911108.

ClinVar aggregate classification (germline): Uncertain significance (1 of 4 stars; one submission).

Conditions:
Immunodeficiency 39 (IMD39). Identifiers: Orphanet 574918, MedGen C4225358, MONDO:0014597, OMIM 616345.

Allele frequency attached by ClinVar (database versions not stated): gnomAD exomes below 0.00001; TOPMed below 0.00001.
gnomAD v4.1: 2 of 1,557,888 alleles (0.00013%); highest among the groups gnomAD compares: Non-Finnish European, 0.00017%; no homozygotes.

Submission:

Labcorp Genetics (formerly Invitae), Labcorp
Classification: Uncertain significance for Immunodeficiency 39. Last evaluated: 2021-08-30. Review status: criteria provided, single submitter. Criteria: Invitae Variant Classification Sherloc (09022015). Collection method: clinical testing. Allele origin: germline.
Comment: In summary, the available evidence is currently insufficient to determine the role of this variant in disease. Therefore, it has been classified as a Variant of Uncertain Significance. Algorithms developed to predict the effect of missense changes on protein structure and function are either unavailable or do not agree on the potential impact of this missense change (SIFT: "Deleterious"; PolyPhen-2: "Benign"; Align-GVGD: "Class C0"). This variant has not been reported in the literature in individuals affected with IRF7-related conditions. This variant is not present in population databases (ExAC no frequency). This sequence change replaces glutamine with leucine at codon 295 of the IRF7 protein (p.Gln295Leu). The glutamine residue is weakly conserved and there is a moderate physicochemical difference between glutamine and leucine.